The following is an entry in ClinVar:

NM_004369.4(COL6A3):c.3764T>C (p.Ile1255Thr)

Gene: COL6A3 (collagen type VI alpha 3 chain; minus strand). Cytogenetic location: 2q37.3.
Variant type: single nucleotide variant.
Coding change: c.3764T>C on transcript NM_004369.4 (MANE Select); coding-DNA position 3764, T replaced by C.
Protein change: p.Ile1255Thr; replaces isoleucine 1255 with threonine.
Molecular consequence: missense variant.
Genome position (GRCh38, 1-based): chr2:237,372,253, A>G on the plus strand (T>C on the coding strand, the complement: COL6A3 is on the minus strand). VCF-style: chr2-237372253-A-G. GRCh37 (hg19) VCF-style: chr2-238280896-A-G.
Other names: c.2543T>C, p.Ile848Thr (NM_057164.5); c.3146T>C, p.Ile1049Thr (NM_057165.5, NM_057167.4); c.1943T>C, p.Ile648Thr (NM_057166.5); short protein forms I1049T, I1255T, I648T, I848T.
Identifiers: ClinVar variation 1718133 (VCV001718133.6), dbSNP rs759234768, ClinGen allele CA351199386.

ClinVar aggregate classification (germline): Uncertain significance (1 of 4 stars; one submission).

Conditions:
Bethlem myopathy 1A. Also called: MYOPATHY, BENIGN CONGENITAL, WITH CONTRACTURES; Bethlem Muscular Dystrophy; Bethlem myopathy 1. Identifiers: Orphanet 610, MedGen CN029274, MONDO:0024530, OMIM 158810.

Submission:

Labcorp Genetics (formerly Invitae), Labcorp
Classification: Uncertain significance for Bethlem myopathy 1A. Last evaluated: 2022-08-27. Review status: criteria provided, single submitter. Criteria: Invitae Variant Classification Sherloc (09022015). Collection method: clinical testing. Allele origin: germline.
Comment: This variant is not present in population databases (gnomAD no frequency). In summary, the available evidence is currently insufficient to determine the role of this variant in disease. Therefore, it has been classified as a Variant of Uncertain Significance. Advanced modeling of protein sequence and biophysical properties (such as structural, functional, and spatial information, amino acid conservation, physicochemical variation, residue mobility, and thermodynamic stability) performed at Invitae indicates that this missense variant is not expected to disrupt COL6A3 protein function. This variant has not been reported in the literature in individuals affected with COL6A3-related conditions. This sequence change replaces isoleucine, which is neutral and non-polar, with threonine, which is neutral and polar, at codon 1255 of the COL6A3 protein (p.Ile1255Thr).